The following is an entry in ClinVar:

NM_002691.4(POLD1):c.623C>G (p.Pro208Arg)

Gene: POLD1 (DNA polymerase delta 1, catalytic subunit; plus strand). Cytogenetic location: 19q13.33.
Variant type: single nucleotide variant.
Coding change: c.623C>G on transcript NM_002691.4 (MANE Select); coding-DNA position 623, C replaced by G.
Protein change: p.Pro208Arg; replaces proline 208 with arginine.
Molecular consequence: missense variant. On other transcripts: non-coding transcript variant (1).
Genome position (GRCh38, 1-based): chr19:50,402,238, C>G. VCF-style: chr19-50402238-C-G. GRCh37 (hg19) VCF-style: chr19-50905495-C-G.
Other names: c.623C>G, p.Pro208Arg (NM_001256849.1, NM_001308632.1); c.623C>G (NM_002691.2); short protein forms P208R.
Identifiers: ClinVar variation 3649055 (VCV003649055.3).

ClinVar aggregate classification (germline): Uncertain significance. Review status: criteria provided, multiple submitters, no conflicts (2 of 4 stars). 2 submissions from 2 submitters: Uncertain significance (2). Last evaluated 2025-07-11.

Conditions:
Hereditary cancer-predisposing syndrome. Also called: Neoplastic Syndromes, Hereditary; Tumor predisposition; Hereditary Cancer Syndrome; Hereditary neoplastic syndrome. Identifiers: Orphanet 140162, MedGen C0027672, MeSH D009386, MONDO:0015356.
POLD1-related polyposis and colorectal cancer syndrome (CRCS10). Also called: Colorectal cancer 10; COLORECTAL CANCER, SUSCEPTIBILITY TO, ON CHROMOSOME 19q; Colorectal cancer, susceptibility to, 10. Identifiers: Orphanet 220460, MedGen C2675481, MONDO:0012953, OMIM 612591.

gnomAD v4.1: 1 of 1,592,620 alleles (0.000063%); highest among the groups gnomAD compares: Non-Finnish European, 0.000086%; no homozygotes.

Submissions (2):

Ambry Genetics
Classification: Uncertain significance for Hereditary cancer-predisposing syndrome. Last evaluated: 2025-07-11. Review status: criteria provided, single submitter. Criteria: Ambry Variant Classification Scheme 2023. Collection method: clinical testing. Allele origin: germline.
Comment: The p.P208R variant (also known as c.623C>G), located in coding exon 5 of the POLD1 gene, results from a C to G substitution at nucleotide position 623. The proline at codon 208 is replaced by arginine, an amino acid with dissimilar properties. This amino acid position is conserved. In addition, this alteration is predicted to be tolerated by in silico analysis. Based on the available evidence, the clinical significance of this variant remains unclear.

Labcorp Genetics (formerly Invitae), Labcorp
Classification: Uncertain significance for POLD1-related polyposis and colorectal cancer syndrome. Last evaluated: 2024-04-07. Review status: criteria provided, single submitter. Criteria: Invitae Variant Classification Sherloc (09022015). Collection method: clinical testing. Allele origin: germline.
Comment: This sequence change replaces proline, which is neutral and non-polar, with arginine, which is basic and polar, at codon 208 of the POLD1 protein (p.Pro208Arg). This variant is not present in population databases (gnomAD no frequency). This variant has not been reported in the literature in individuals affected with POLD1-related conditions. Advanced modeling of protein sequence and biophysical properties (such as structural, functional, and spatial information, amino acid conservation, physicochemical variation, residue mobility, and thermodynamic stability) performed at Invitae indicates that this missense variant is not expected to disrupt POLD1 protein function with a negative predictive value of 80%. In summary, the available evidence is currently insufficient to determine the role of this variant in disease. Therefore, it has been classified as a Variant of Uncertain Significance.